The following is an entry in ClinVar:

ClinVar aggregate classification (germline): Conflicting classifications of pathogenicity. Review status: criteria provided, conflicting classifications (1 of 4 stars). 3 submissions from 3 submitters: Uncertain significance (2); Benign (1). Last evaluated 2026-03-02.

Conditions:
Hereditary cancer-predisposing syndrome. Also called: Neoplastic Syndromes, Hereditary; Tumor predisposition; Hereditary Cancer Syndrome; Hereditary neoplastic syndrome. Identifiers: Orphanet 140162, MedGen C0027672, MeSH D009386, MONDO:0015356.
Fanconi anemia complementation group O. Also called: RAD51C-Related Fanconi Anemia. Identifiers: Orphanet 84, MedGen C3150653, MONDO:0013248, OMIM 613390.

Submissions (3):

Ambry Genetics
Classification: Benign for Hereditary cancer-predisposing syndrome. Last evaluated: 2026-03-02. Review status: criteria provided, single submitter. Criteria: Ambry Variant Classification Scheme 2023. Collection method: clinical testing. Allele origin: germline.

Labcorp Genetics (formerly Invitae), Labcorp
Classification: Uncertain significance for Fanconi anemia complementation group O. Last evaluated: 2023-12-12. Review status: criteria provided, single submitter. Criteria: Invitae Variant Classification Sherloc (09022015). Collection method: clinical testing. Allele origin: germline.
Comment: This sequence change replaces glutamic acid, which is acidic and polar, with glycine, which is neutral and non-polar, at codon 185 of the RAD51C protein (p.Glu185Gly). This variant is not present in population databases (gnomAD no frequency). This variant has not been reported in the literature in individuals affected with RAD51C-related conditions. ClinVar contains an entry for this variant (Variation ID: 1211791). Algorithms developed to predict the effect of missense changes on protein structure and function output the following: SIFT: "Not Available"; PolyPhen-2: "Benign"; Align-GVGD: "Not Available". The glycine amino acid residue is found in multiple mammalian species, which suggests that this missense change does not adversely affect protein function. In summary, the available evidence is currently insufficient to determine the role of this variant in disease. Therefore, it has been classified as a Variant of Uncertain Significance.

GeneDx
Classification: Uncertain significance. Last evaluated: 2019-05-03. Review status: criteria provided, single submitter. Criteria: GeneDx Variant Classification Process June 2021. Collection method: clinical testing. Allele origin: germline. Affected: yes.
Comment: Not observed in large population cohorts (Lek et al., 2016); Has not been previously published as pathogenic or benign to our knowledge

NM_058216.3(RAD51C):c.554A>G (p.Glu185Gly)

Gene: RAD51C (RAD51 paralog C; plus strand). Cytogenetic location: 17q22.
Variant type: single nucleotide variant.
Coding change: c.554A>G on transcript NM_058216.3 (MANE Select); coding-DNA position 554, A replaced by G.
Protein change: p.Glu185Gly; replaces glutamic acid 185 with glycine.
Molecular consequence: missense variant.
Genome position (GRCh38, 1-based): chr17:58,696,842, A>G. VCF-style: chr17-58696842-A-G. GRCh37 (hg19) VCF-style: chr17-56774203-A-G.
Other names: short protein forms E185G.
Identifiers: ClinVar variation 1211791 (VCV001211791.7), dbSNP rs2143749539, ClinGen allele CA400345385.
Genomic context (GRCh38, chr17:58,696,842, plus strand): 5'-TGGTTGATAGAGTGGTAGACCTTGCTACTGCCTGCATTCAGCACCTTCAGCTTATAGCAG[A>G]AAAACACAAGGGAGAGGGTAAGTTAGTAAATGATCTTCTTTTTTTCTGTATTAATAAAAG-3'
Protein context (NP_478123.1, residues 175-195): ACIQHLQLIA[Glu185Gly]KHKGEEHRKA